The following is an entry in ClinVar:

ClinVar aggregate classification (germline): Pathogenic (1 of 4 stars; one submission).

Submission:

Labcorp Genetics (formerly Invitae), Labcorp
Classification: Pathogenic. Last evaluated: 2022-12-17. Review status: criteria provided, single submitter. Criteria: Invitae Variant Classification Sherloc (09022015). Collection method: clinical testing. Allele origin: germline.
Comment: For these reasons, this variant has been classified as Pathogenic. This variant has not been reported in the literature in individuals affected with CHRNG-related conditions. This variant is present in population databases (no rsID available, gnomAD 0.01%). This sequence change creates a premature translational stop signal (p.Leu180*) in the CHRNG gene. It is expected to result in an absent or disrupted protein product. Loss-of-function variants in CHRNG are known to be pathogenic (PMID: 16826520).

Literature cited by the submitters: PubMed 16826520.

NM_005199.5(CHRNG):c.534_537dup (p.Leu180Ter)

Gene: CHRNG (cholinergic receptor nicotinic gamma subunit; plus strand). Cytogenetic location: 2q37.1.
Variant type: Duplication.
Coding change: c.534_537dup on transcript NM_005199.5 (MANE Select); coding-DNA positions 534 to 537, 4 bases duplicated (TGAT; older notation c.534_537dupTGAT).
Protein change: p.Leu180Ter; replaces leucine 180 with a stop codon.
Molecular consequence: nonsense.
Genome position (GRCh38, 1-based): chr2:232,542,450-232,542,453, TGAT duplicated; duplicating any 4 consecutive bases within chr2:232,542,447-232,542,453 gives the same sequence; the c. name uses the placement nearest the transcript's 3' end. VCF-style (leftmost placement, unchanged base first): chr2-232542446-A-AGATT. GRCh37 (hg19) VCF-style: chr2-233407156-A-AGATT.
Other names: short protein forms L180*.
Identifiers: ClinVar variation 2892868 (VCV002892868.3), dbSNP rs1003960580, ClinGen allele CA66967830.
Genomic context (GRCh38, chr2:232,542,446, plus strand): 5'-CCGCTCACATTTAGCCTCTTTCCTCGGTGACTCCCAGGTCCCAGACTTACAGCACCAATG[A>AGATT]GATTGATCTGCAGCTGAGTCAGGAAGATGGCCAGACCATCGAGTGGATTTTCATTGACCC-3'